The following is an entry in ClinVar:

ClinVar aggregate classification (germline): Uncertain significance. Review status: criteria provided, multiple submitters, no conflicts (2 of 4 stars). 2 submissions from 2 submitters: Uncertain significance (2). Last evaluated 2025-05-28.

Allele frequency attached by ClinVar (database versions not stated): gnomAD 0.00001 and 0.00002; gnomAD exomes 0.00001 and 0.00003; ExAC 0.00002; TOPMed 0.00002; 1000 Genomes Project 30x 0.00016; 1000 Genomes Project 0.00020.
gnomAD v4.1: 23 of 1,614,032 alleles (0.0014%); highest among the groups gnomAD compares: East Asian, 0.0089%; no homozygotes.

Submissions (2):

Labcorp Genetics (formerly Invitae), Labcorp
Classification: Uncertain significance. Last evaluated: 2025-05-28. Review status: criteria provided, single submitter. Criteria: Invitae Variant Classification Sherloc (09022015). Collection method: clinical testing. Allele origin: germline.
Comment: This sequence change falls in intron 43 of the SNRNP200 gene. It does not directly change the encoded amino acid sequence of the SNRNP200 protein. It affects a nucleotide within the consensus splice site. This variant is present in population databases (rs552897375, gnomAD 0.03%). This variant has not been reported in the literature in individuals affected with SNRNP200-related conditions. ClinVar contains an entry for this variant (Variation ID: 1007923). Variants that disrupt the consensus splice site are a relatively common cause of aberrant splicing (PMID: 17576681, 9536098). Algorithms developed to predict the effect of sequence changes on RNA splicing suggest that this variant may disrupt the consensus splice site. In summary, the available evidence is currently insufficient to determine the role of this variant in disease. Therefore, it has been classified as a Variant of Uncertain Significance.

Blueprint Genetics
Classification: Uncertain significance. Last evaluated: 2022-09-16. Review status: criteria provided, single submitter. Criteria: ACMG Guidelines, 2015. Collection method: clinical testing. Allele origin: germline.

Literature cited by the submitters: PubMed 17576681 (cited by Labcorp Genetics (formerly Invitae), Labcorp); PubMed 9536098 (cited by Labcorp Genetics (formerly Invitae), Labcorp).

NM_014014.5(SNRNP200):c.6174+5G>A

Gene: SNRNP200 (small nuclear ribonucleoprotein U5 subunit 200; minus strand). Cytogenetic location: 2q11.2.
Variant type: single nucleotide variant.
Coding change: c.6174+5G>A on transcript NM_014014.5 (MANE Select); 5 bases into the intron after coding-DNA position 6174, G replaced by A.
Molecular consequence: intron variant.
Genome position (GRCh38, 1-based): chr2:96,276,899, C>T on the plus strand (G>A on the coding strand, the complement: SNRNP200 is on the minus strand). VCF-style: chr2-96276899-C-T. GRCh37 (hg19) VCF-style: chr2-96942637-C-T.
Identifiers: ClinVar variation 1007923 (VCV001007923.9), dbSNP rs552897375, ClinGen allele CA1777800.